The following is an entry in ClinVar:

NM_006009.4(TUBA1A):c.1168C>T (p.Arg390Cys)

Gene: TUBA1A (tubulin alpha 1a; minus strand). Cytogenetic location: 12q13.12.
Variant type: single nucleotide variant.
Coding change: c.1168C>T on transcript NM_006009.4 (MANE Select); coding-DNA position 1168, C replaced by T.
Protein change: p.Arg390Cys; replaces arginine 390 with cysteine.
Molecular consequence: missense variant.
Genome position (GRCh38, 1-based): chr12:49,185,198, G>A on the plus strand (C>T on the coding strand, the complement: TUBA1A is on the minus strand). VCF-style: chr12-49185198-G-A. GRCh37 (hg19) VCF-style: chr12-49578981-G-A.
Other names: c.1168C>T, p.Arg390Cys (NM_001270399.2); c.1063C>T, p.Arg355Cys (NM_001270400.2); short protein forms R390C, R355C.
Identifiers: ClinVar variation 418531 (VCV000418531.11), dbSNP rs1064793286, ClinGen allele CA16619548.

ClinVar aggregate classification (germline): Pathogenic/Likely pathogenic. Review status: criteria provided, multiple submitters, no conflicts (2 of 4 stars). 6 submissions from 6 submitters: Pathogenic (4); Likely pathogenic (1). 1 of the submissions does not count toward it. Last evaluated 2024-12-10.

Conditions:
Lissencephaly due to TUBA1A mutation (CDCBM16). Also called: CORTICAL DYSPLASIA, COMPLEX, WITH OTHER BRAIN MALFORMATIONS 16; Lissencephaly 3. Identifiers: Orphanet 171680, MedGen C4305153, MONDO:0012703, OMIM 611603.
Tubulinopathy. Also called: Tubulinopathies. Identifiers: MedGen CN850169, MONDO:0100153.
Rare genetic intellectual disability. Identifiers: Orphanet 183757, MedGen C5680527.

Submissions (6):

Labcorp Genetics (formerly Invitae), Labcorp
Classification: Pathogenic. Last evaluated: 2024-12-10. Review status: criteria provided, single submitter. Criteria: Invitae Variant Classification Sherloc (09022015). Collection method: clinical testing. Allele origin: germline.
Comment: This sequence change replaces arginine, which is basic and polar, with cysteine, which is neutral and slightly polar, at codon 390 of the TUBA1A protein (p.Arg390Cys). This variant is not present in population databases (gnomAD no frequency). This missense change has been observed in individual(s) with cortical malformation(s) (PMID: 20466733, 22948023). In at least one individual the variant was observed to be de novo. ClinVar contains an entry for this variant (Variation ID: 418531). Invitae Evidence Modeling of protein sequence and biophysical properties (such as structural, functional, and spatial information, amino acid conservation, physicochemical variation, residue mobility, and thermodynamic stability) indicates that this missense variant is expected to disrupt TUBA1A protein function with a positive predictive value of 80%. This variant disrupts the p.Arg390 amino acid residue in TUBA1A. Other variant(s) that disrupt this residue have been determined to be pathogenic (PMID: 23317684, 28677066). This suggests that this residue is clinically significant, and that variants that disrupt this residue are likely to be disease-causing. For these reasons, this variant has been classified as Pathogenic.

Institute of Human Genetics, University of Leipzig Medical Center
Classification: Pathogenic for Lissencephaly due to TUBA1A mutation. Last evaluated: 2023-07-25. Review status: criteria provided, single submitter. Criteria: ACMG Guidelines, 2015. Collection method: clinical testing. Allele origin: unknown. Inheritance: Autosomal dominant inheritance. Affected: yes.
Comment: Criteria applied: PS4,PM5_STR,PM1,PM2_SUP,PP3

GeneDx
Classification: Pathogenic. Last evaluated: 2023-06-18. Review status: criteria provided, single submitter. Criteria: GeneDx Variant Classification Process June 2021. Collection method: clinical testing. Allele origin: germline. Affected: yes.
Comment: Not observed at significant frequency in large population cohorts (gnomAD); In silico analysis supports that this missense variant has a deleterious effect on protein structure/function; Missense variants in this gene are often considered pathogenic (HGMD); This variant is associated with the following publications: (PMID: 24860126, 33604570, 30744660, 29057214, 28252636, 22948023, 20466733, 34426522)

Institute of Human Genetics, FAU Erlangen, Friedrich-Alexander-Universität Erlangen-Nürnberg
Classification: Pathogenic for Tubulinopathies. Last evaluated: 2018-07-01. Review status: criteria provided, single submitter. Criteria: ACMG Guidelines, 2015. Collection method: literature only. Allele origin: de novo. Affected: yes. Observed: 2 variant alleles.
Comment: The c.1168C>T, p.(Arg390Cys) variant has been reported as a variant of de novo origin. This variant and associated phenotype was previously reported by Kumar et al. Hum Mol Genet, 2010 PMID: 20466733. Cortical gyral simplification (HP:0009879); Cerebellar hypoplasia (HP:0001321)

Kasturba Medical College, Manipal, Kasturba Medical College, Manipal, Manipal Academy of Higher Education, Manipal, India
Classification: Likely pathogenic for Lissencephaly due to TUBA1A mutation. Review status: criteria provided, single submitter. Criteria: ACMG Guidelines, 2015. Collection method: clinical testing. Allele origin: de novo. Affected: yes.

Service de Génétique Moléculaire, Hôpital Robert Debré
Classification: Likely pathogenic for Rare genetic intellectual disability. Review status: no assertion criteria provided. Collection method: clinical testing. Allele origin: unknown. Affected: yes. Not counted in ClinVar's aggregate classification.

Literature cited by the submitters: PubMed 20466733 (cited by Labcorp Genetics (formerly Invitae), Labcorp); PubMed 22948023 (cited by Labcorp Genetics (formerly Invitae), Labcorp); PubMed 23317684 (cited by Labcorp Genetics (formerly Invitae), Labcorp); PubMed 28677066 (cited by Labcorp Genetics (formerly Invitae), Labcorp); PubMed 30744660 (cited by Institute of Human Genetics, FAU Erlangen, Friedrich-Alexander-Universität Erlangen-Nürnberg); DOI 10.1101/427948 (cited by Institute of Human Genetics, FAU Erlangen, Friedrich-Alexander-Universität Erlangen-Nürnberg).